The following is an entry in ClinVar:

NM_031433.4(MFRP):c.511G>A (p.Val171Met)

Genes: C1QTNF5 (C1q and TNF related 5; minus strand), MFRP (membrane frizzled-related protein; minus strand). Cytogenetic location: 11q23.3.
Variant type: single nucleotide variant.
Coding change: c.511G>A on transcript NM_031433.4 (MANE Select); coding-DNA position 511, G replaced by A.
Protein change: p.Val171Met; replaces valine 171 with methionine.
Molecular consequence: missense variant. On other transcripts: 5 prime UTR variant (1).
Genome position (GRCh38, 1-based): chr11:119,345,550, C>T on the plus strand (G>A on the coding strand, the complement: MFRP is on the minus strand). VCF-style: chr11-119345550-C-T. GRCh37 (hg19) VCF-style: chr11-119216260-C-T.
Other names: c.-2126G>A (NM_015645.5); short protein forms V171M.
Identifiers: ClinVar variation 966061 (VCV000966061.9), dbSNP rs372117205, ClinGen allele CA6320520.

ClinVar aggregate classification (germline): Uncertain significance. Review status: criteria provided, multiple submitters, no conflicts (2 of 4 stars). 2 submissions from 2 submitters: Uncertain significance (2). Last evaluated 2023-01-01.

Conditions:
Retinal dystrophy. Also called: Inherited retinal dystrophy. Identifiers: Orphanet 71862, MedGen C0854723, MeSH D058499, MONDO:0019118, HP:0000556.
Isolated microphthalmia 5. Also called: Posterior Microphthalmia with Retinitis Pigmentosa, Foveoschisis, and Optic Disc Drusen. Identifiers: Orphanet 251279, MedGen C1970236, MONDO:0012605, OMIM 611040.

Allele frequency attached by ClinVar (database versions not stated): TOPMed 0.00004; ExAC 0.00005; ESP Exome Variant Server 0.00008; gnomAD exomes 0.00001 and 0.00002; gnomAD 0.00003 and 0.00004.
gnomAD v4.1: 17 of 1,613,924 alleles (0.0011%); highest among the groups gnomAD compares: African/African-American, 0.0053%; no homozygotes.

Submissions (2):

Institute of Human Genetics, Univ. Regensburg, Univ. Regensburg
Classification: Uncertain significance for Retinal dystrophy. Last evaluated: 2023-01-01. Review status: criteria provided, single submitter. Criteria: ACMG Guidelines, 2015. Collection method: clinical testing. Allele origin: germline. Affected: yes.

Labcorp Genetics (formerly Invitae), Labcorp
Classification: Uncertain significance for Isolated microphthalmia 5. Last evaluated: 2022-08-16. Review status: criteria provided, single submitter. Criteria: Invitae Variant Classification Sherloc (09022015). Collection method: clinical testing. Allele origin: germline.
Comment: This sequence change replaces valine, which is neutral and non-polar, with methionine, which is neutral and non-polar, at codon 171 of the MFRP protein (p.Val171Met). This variant is present in population databases (rs372117205, gnomAD 0.008%). This variant has not been reported in the literature in individuals affected with MFRP-related conditions. ClinVar contains an entry for this variant (Variation ID: 966061). Algorithms developed to predict the effect of missense changes on protein structure and function output the following: SIFT: "Tolerated"; PolyPhen-2: "Benign"; Align-GVGD: "Class C0". The methionine amino acid residue is found in multiple mammalian species, which suggests that this missense change does not adversely affect protein function. In summary, the available evidence is currently insufficient to determine the role of this variant in disease. Therefore, it has been classified as a Variant of Uncertain Significance.

Literature cited by the submitters: PubMed 35982160 (cited by Institute of Human Genetics, Univ. Regensburg, Univ. Regensburg).